The following is an entry in ClinVar:

NM_002227.4(JAK1):c.2854A>G (p.Ile952Val)

Gene: JAK1 (Janus kinase 1; minus strand). Cytogenetic location: 1p31.3.
Variant type: single nucleotide variant.
Coding change: c.2854A>G on transcript NM_002227.4 (MANE Select); coding-DNA position 2854, A replaced by G.
Protein change: p.Ile952Val; replaces isoleucine 952 with valine.
Molecular consequence: missense variant.
Genome position (GRCh38, 1-based): chr1:64,838,578, T>C on the plus strand (A>G on the coding strand, the complement: JAK1 is on the minus strand). VCF-style: chr1-64838578-T-C. GRCh37 (hg19) VCF-style: chr1-65304261-T-C.
Other names: c.2854A>G, p.Ile952Val (NM_001320923.2, NM_001321852.2, NM_001321853.2 and 3 more transcripts); c.2851A>G, p.Ile951Val (NM_001321857.2); c.2854A>G (NM_002227.3); short protein forms I952V, I951V.
Identifiers: ClinVar variation 2061113 (VCV002061113.6), dbSNP rs763015549, ClinGen allele CA892566.

ClinVar aggregate classification (germline): Uncertain significance. Review status: criteria provided, multiple submitters, no conflicts (2 of 4 stars). 3 submissions from 3 submitters: Uncertain significance (3). Last evaluated 2025-09-17.

Conditions:
JAK1-related disorder. Also called: JAK1-related condition.

Allele frequency attached by ClinVar (database versions not stated): gnomAD exomes 0.00002; ExAC 0.00003; gnomAD 0.00004; TOPMed 0.00004.
gnomAD v4.1: 25 of 1,613,742 alleles (0.0015%); highest among the groups gnomAD compares: African/African-American, 0.0067%; 1 homozygote.

Submissions (3):

PreventionGenetics, part of Exact Sciences
Classification: Uncertain significance for JAK1-related condition. Last evaluated: 2025-09-17. Review status: criteria provided, single submitter. Criteria: ACMG Guidelines, 2015. Collection method: clinical testing. Allele origin: germline.
Comment: The JAK1 c.2854A>G variant is predicted to result in the amino acid substitution p.Ile952Val. To our knowledge, this variant has not been reported in the literature. This variant is reported in 0.012% of alleles in individuals of African descent in gnomAD. At this time, the clinical significance of this variant is uncertain due to the absence of conclusive functional and genetic evidence.

Labcorp Genetics (formerly Invitae), Labcorp
Classification: Uncertain significance. Last evaluated: 2025-06-10. Review status: criteria provided, single submitter. Criteria: Invitae Variant Classification Sherloc (09022015). Collection method: clinical testing. Allele origin: germline.
Comment: This sequence change replaces isoleucine, which is neutral and non-polar, with valine, which is neutral and non-polar, at codon 952 of the JAK1 protein (p.Ile952Val). This variant is present in population databases (rs763015549, gnomAD 0.01%). This variant has not been reported in the literature in individuals affected with JAK1-related conditions. ClinVar contains an entry for this variant (Variation ID: 2061113). Invitae Evidence Modeling of protein sequence and biophysical properties (such as structural, functional, and spatial information, amino acid conservation, physicochemical variation, residue mobility, and thermodynamic stability) indicates that this missense variant is not expected to disrupt JAK1 protein function with a negative predictive value of 80%. In summary, the available evidence is currently insufficient to determine the role of this variant in disease. Therefore, it has been classified as a Variant of Uncertain Significance.

Blueprint Genetics
Classification: Uncertain significance. Last evaluated: 2024-11-21. Review status: criteria provided, single submitter. Criteria: ACMG Guidelines, 2015. Collection method: clinical testing. Allele origin: germline.